The following is an entry in ClinVar:

ClinVar aggregate classification (germline): Uncertain significance (1 of 4 stars; one submission).

Submission:

Labcorp Genetics (formerly Invitae), Labcorp
Classification: Uncertain significance. Last evaluated: 2022-08-23. Review status: criteria provided, single submitter. Criteria: Invitae Variant Classification Sherloc (09022015). Collection method: clinical testing. Allele origin: germline.
Comment: In summary, the available evidence is currently insufficient to determine the role of this variant in disease. Therefore, it has been classified as a Variant of Uncertain Significance. Algorithms developed to predict the effect of missense changes on protein structure and function are either unavailable or do not agree on the potential impact of this missense change (SIFT: "Deleterious"; PolyPhen-2: "Benign"; Align-GVGD: "Class C15"). This variant has not been reported in the literature in individuals affected with LRP6-related conditions. This variant is not present in population databases (gnomAD no frequency). This sequence change replaces histidine, which is basic and polar, with glutamine, which is neutral and polar, at codon 899 of the LRP6 protein (p.His899Gln).

NM_002336.3(LRP6):c.2697C>G (p.His899Gln)

Gene: LRP6 (LDL receptor related protein 6; minus strand). Cytogenetic location: 12p13.2.
Variant type: single nucleotide variant.
Coding change: c.2697C>G on transcript NM_002336.3 (MANE Select); coding-DNA position 2697, C replaced by G.
Protein change: p.His899Gln; replaces histidine 899 with glutamine.
Molecular consequence: missense variant.
Genome position (GRCh38, 1-based): chr12:12,158,923, G>C on the plus strand (C>G on the coding strand, the complement: LRP6 is on the minus strand). VCF-style: chr12-12158923-G-C. GRCh37 (hg19) VCF-style: chr12-12311857-G-C.
Other names: short protein forms H899Q.
Identifiers: ClinVar variation 1717861 (VCV001717861.5), dbSNP rs1862668138, ClinGen allele CA383943783.